The following is an entry in ClinVar:

ClinVar aggregate classification (germline): Likely pathogenic (1 of 4 stars; one submission).

Submission:

Clinical Genomics Laboratory, Laboratory for Precision Diagnostics, University of Washington
Classification: Likely pathogenic. Last evaluated: 2016-01-27. Review status: criteria provided, single submitter. Criteria: Clinical Cytogenomics Laboratory Policy on CNV Interpretation. Collection method: clinical testing. Allele origin: unknown. Affected: yes. Observed: 1 variant allele.

Literature cited by the submitters: PubMed 23047984; PubMed 15366017; PubMed 26117362.

GRCh37/hg19 1p34.2(chr1:41343608-43121507)x1

Genes: CCDC30 (coiled-coil domain containing 30; plus strand), CTPS1 (CTP synthase 1; plus strand), EDN2 (endothelin 2; minus strand), FOXJ3 (forkhead box J3; minus strand), FOXO6 (forkhead box O6; plus strand) and 8 more. Cytogenetic location: 1p34.2.
Variant type: copy number loss.
Change: copy number 1 (one copy instead of two) of chr1:41,343,608-43,121,507 (1.78 Mb, GRCh37 coordinates, 1-based), cytogenetic band 1p34.2.
Identifiers: ClinVar variation 242842 (VCV000242842.2).